The following is an entry in ClinVar:

NM_016222.4(DDX41):c.337del (p.Glu113fs)

Gene: DDX41 (DEAD-box helicase 41; minus strand). Cytogenetic location: 5q35.3.
Variant type: Deletion.
Coding change: c.337del on transcript NM_016222.4 (MANE Select); coding-DNA position 337, one base deleted (G; older notation c.337delG).
Protein change: p.Glu113fs; shifts the reading frame from glutamic acid 113.
Molecular consequence: frameshift variant. On other transcripts: 5 prime UTR variant (2).
Genome position (GRCh38, 1-based): chr5:177,516,155, C deleted on the plus strand (G on the coding strand, the reverse complement: DDX41 is on the minus strand). VCF-style (leftmost placement, unchanged base first): chr5-177516154-TC-T. GRCh37 (hg19) VCF-style: chr5-176943155-TC-T.
Other names: c.-42del (NM_001321732.2, NM_001321830.2); short protein forms E113fs.
Identifiers: ClinVar variation 4010249 (VCV004010249.1).
Genomic context (GRCh38, chr5:177,516,154, plus strand): 5'-CTCACTATCCTGGCTACAACCATACCTCGGCCCTCGGCAACACTCTCCAGGATCTTCTCT[TC>T]TTCCTTCAGCTGCTTCTCCTTGGCAGACTCTTTGCGCGCTGAGAAAAGAAGTGGAAGATG-3'

ClinVar aggregate classification (germline): Pathogenic (1 of 4 stars; one submission).

Conditions:
Inborn genetic diseases. Identifiers: MedGen C0950123, MeSH D030342.

Submission:

Ambry Genetics
Classification: Pathogenic for Inborn genetic diseases. Last evaluated: 2025-04-04. Review status: criteria provided, single submitter. Criteria: Ambry Variant Classification Scheme 2023. Collection method: clinical testing. Allele origin: germline.
Comment: The c.337delG pathogenic mutation, located in coding exon 4 of the DDX41 gene, results from a deletion of one nucleotide at nucleotide position 337, causing a translational frameshift with a predicted alternate stop codon (p.E113Kfs*14). This variant is considered to be rare based on population cohorts in the Genome Aggregation Database (gnomAD). This alteration is expected to result in loss of function by premature protein truncation or nonsense-mediated mRNA decay. As such, this alteration is interpreted as a disease-causing mutation.